The following is an entry in ClinVar:

ClinVar aggregate classification (germline): Pathogenic (1 of 4 stars; one submission).

Conditions:
Hereditary cancer-predisposing syndrome. Also called: Tumor predisposition; Hereditary neoplastic syndrome; Neoplastic Syndromes, Hereditary; Hereditary Cancer Syndrome. Identifiers: Orphanet 140162, MedGen C0027672, MeSH D009386, MONDO:0015356.

Submission:

Ambry Genetics
Classification: Pathogenic for Hereditary cancer-predisposing syndrome. Last evaluated: 2025-06-05. Review status: criteria provided, single submitter. Criteria: Ambry Variant Classification Scheme 2023. Collection method: clinical testing. Allele origin: germline.
Comment: The c.2820_2825delGATATGinsC pathogenic mutation, located in coding exon 18 of the BRIP1 gene, results from the deletion of 6 nucleotides and insertion of one nucleotide causing a translational frameshift with a predicted alternate stop codon (p.K940Nfs*9). This variant is considered to be rare based on population cohorts in the Genome Aggregation Database (gnomAD). This alteration is expected to result in loss of function by premature protein truncation or nonsense-mediated mRNA decay. As such, this alteration is interpreted as a disease-causing mutation.

NM_032043.3(BRIP1):c.2820_2825delinsC (p.Lys940fs)

Gene: BRIP1 (BRCA1 interacting DNA helicase 1; minus strand). Cytogenetic location: 17q23.2.
Variant type: Indel.
Coding change: c.2820_2825delinsC on transcript NM_032043.3 (MANE Select); coding-DNA positions 2820 to 2825, GATATG replaced by C.
Protein change: p.Lys940fs; shifts the reading frame from lysine 940.
Molecular consequence: frameshift variant.
Genome position (GRCh38, 1-based): chr17:61,685,916-61,685,921, CATATC replaced by G on the plus strand (GATATG replaced by C on the coding strand, the reverse complement: BRIP1 is on the minus strand). VCF-style: chr17-61685916-CATATC-G. GRCh37 (hg19) VCF-style: chr17-59763277-CATATC-G.
Other names: short protein forms K940fs.
Identifiers: ClinVar variation 3993165 (VCV003993165.1).